The following is an entry in ClinVar:

NM_007194.4(CHEK2):c.847-6_847-5insGG

Gene: CHEK2 (checkpoint kinase 2; minus strand). Cytogenetic location: 22q12.1.
Variant type: Insertion.
Coding change: c.847-6_847-5insGG on transcript NM_007194.4 (MANE Select); 6 bases into the intron before coding-DNA position 847 through 5 bases into the intron before coding-DNA position 847, GG inserted.
Molecular consequence: intron variant.
Genome position: GRCh38 VCF-style: chr22-28703571-G-GCC. GRCh37 (hg19) VCF-style: chr22-29099559-G-GCC.
Other names: c.184-6_184-5insGG (NM_001437942.1, NM_001257387.3); c.646-6_646-5insGG (NM_001349956.3); c.847-6_847-5insGG (NM_145862.3); c.940-6_940-5insGG (NM_001438295.1, NM_001438293.1); c.976-6_976-5insGG (NM_001438294.1, NM_001005735.3).
Identifiers: ClinVar variation 3832954 (VCV003832954.1).

ClinVar aggregate classification (germline): Uncertain significance (1 of 4 stars; one submission).

Conditions:
Hereditary cancer-predisposing syndrome. Also called: Hereditary neoplastic syndrome; Neoplastic Syndromes, Hereditary; Tumor predisposition; Hereditary Cancer Syndrome. Identifiers: Orphanet 140162, MedGen C0027672, MeSH D009386, MONDO:0015356.

Submission:

Ambry Genetics
Classification: Uncertain significance for Hereditary cancer-predisposing syndrome. Last evaluated: 2025-03-04. Review status: criteria provided, single submitter. Criteria: Ambry Variant Classification Scheme 2023. Collection method: clinical testing. Allele origin: germline.
Comment: The c.847-6_847-5insGG intronic variant, results from an insertion of two nucleotides between nucleotide positions c.847-6 and c.847-5 before coding exon 7 of the CHEK2 gene. This nucleotide region is not well conserved in available vertebrate species. In silico splice site analysis predicts that this alteration may weaken the native splice acceptor site. Based on the available evidence, the clinical significance of this variant remains unclear.